The following is an entry in ClinVar:

ClinVar aggregate classification (germline): Uncertain significance (1 of 4 stars; one submission).

Conditions:
KLF4-related disorder. Also called: KLF4-related condition.

gnomAD v4.1: 1 of 1,563,830 alleles (0.000064%); highest among the groups gnomAD compares: East Asian, 0.0024%; no homozygotes.

Submission:

PreventionGenetics, part of Exact Sciences
Classification: Uncertain significance for KLF4-related condition. Last evaluated: 2026-02-10. Review status: criteria provided, single submitter. Criteria: ACMG Guidelines, 2015. Collection method: clinical testing. Allele origin: germline.
Comment: The KLF4 c.44C>T variant is predicted to result in the amino acid substitution p.Ala15Val. To our knowledge, this variant has not been reported in the literature or in a large population database (gnomAD), indicating this variant is rare. At this time, the clinical significance of this variant is uncertain due to the absence of conclusive functional and genetic evidence.

NM_004235.6(KLF4):c.44C>T (p.Ala15Val)

Gene: KLF4 (KLF transcription factor 4; minus strand). Cytogenetic location: 9q31.2.
Variant type: single nucleotide variant.
Coding change: c.44C>T on transcript NM_004235.6 (MANE Select); coding-DNA position 44, C replaced by T.
Protein change: p.Ala15Val; replaces alanine 15 with valine.
Molecular consequence: missense variant.
Genome position (GRCh38, 1-based): chr9:107,489,012, G>A on the plus strand (C>T on the coding strand, the complement: KLF4 is on the minus strand). VCF-style: chr9-107489012-G-A. GRCh37 (hg19) VCF-style: chr9-110251293-G-A.
Other names: c.44C>T, p.Ala15Val (NM_001314052.2); short protein forms A15V.
Identifiers: ClinVar variation 4993530 (VCV004993530.1).